The following is an entry in ClinVar:

ClinVar aggregate classification (germline): Uncertain significance (1 of 4 stars; one submission).

Conditions:
Myoclonic dystonia 26. Identifiers: MedGen C4225341, MONDO:0014620, OMIM 616398.

gnomAD v4.1: 21 of 1,218,646 alleles (0.0017%); highest among the groups gnomAD compares: African/African-American, 0.031%; no homozygotes.

Submission:

Labcorp Genetics (formerly Invitae), Labcorp
Classification: Uncertain significance for Myoclonic dystonia 26. Last evaluated: 2022-11-12. Review status: criteria provided, single submitter. Criteria: Invitae Variant Classification Sherloc (09022015). Collection method: clinical testing. Allele origin: germline.
Comment: In summary, the available evidence is currently insufficient to determine the role of this variant in disease. Therefore, it has been classified as a Variant of Uncertain Significance. This sequence change replaces proline, which is neutral and non-polar, with arginine, which is basic and polar, at codon 4 of the KCTD17 protein (p.Pro4Arg). This variant is present in population databases (no rsID available, gnomAD 0.05%). This variant has not been reported in the literature in individuals affected with KCTD17-related conditions. Algorithms developed to predict the effect of missense changes on protein structure and function output the following: SIFT: "Tolerated"; PolyPhen-2: "Possibly Damaging"; Align-GVGD: "Class C0". The arginine amino acid residue is found in multiple mammalian species, which suggests that this missense change does not adversely affect protein function.

NM_001282684.2(KCTD17):c.-11C>G

Genes: KCTD17 (potassium channel tetramerization domain containing 17; plus strand), LOC130067340 (ATAC-STARR-seq lymphoblastoid silent region 13677; plus strand). Cytogenetic location: 22q12.3.
Variant type: single nucleotide variant.
Coding change: c.-11C>G on transcript NM_001282684.2 (MANE Select); 11 bases upstream of the start codon, C replaced by G.
Molecular consequence: 5 prime UTR variant.
Genome position (GRCh38, 1-based): chr22:37,051,750, C>G. VCF-style: chr22-37051750-C-G. GRCh37 (hg19) VCF-style: chr22-37447790-C-G.
Other names: c.-11C>G (NM_001282685.2, NM_001282686.2, NM_024681.4).
Identifiers: ClinVar variation 2966044 (VCV002966044.3), dbSNP rs901141352, ClinGen allele CA324031414.